The following is an entry in ClinVar:

ClinVar aggregate classification (germline): Uncertain significance. Review status: criteria provided, multiple submitters, no conflicts (2 of 4 stars). 2 submissions from 2 submitters: Uncertain significance (2). Last evaluated 2025-06-09.

Conditions:
Hypertrophic cardiomyopathy. Also called: HYPERTROPHIC MYOCARDIOPATHY. Identifiers: Orphanet 217569, MedGen C0007194, MeSH D002312, MONDO:0005045, HP:0001639.

Allele frequency attached by ClinVar (database versions not stated): ExAC 0.00003; gnomAD exomes 0.00004 and 0.00005; gnomAD 0.00005; TOPMed 0.00006; ESP Exome Variant Server 0.00008.
gnomAD v4.1: 82 of 1,613,780 alleles (0.0051%); highest among the groups gnomAD compares: Middle Eastern, 0.016%; no homozygotes.

Submissions (3):

Labcorp Genetics (formerly Invitae), Labcorp
Classification: Uncertain significance for Hypertrophic cardiomyopathy. Last evaluated: 2025-06-09. Review status: criteria provided, single submitter. Criteria: Invitae Variant Classification Sherloc (09022015). Collection method: clinical testing. Allele origin: germline.
Comment: This sequence change replaces arginine, which is basic and polar, with glutamine, which is neutral and polar, at codon 685 of the MYOM1 protein (p.Arg685Gln). This variant is present in population databases (rs371246473, gnomAD 0.004%). This variant has not been reported in the literature in individuals affected with MYOM1-related conditions. ClinVar contains an entry for this variant (Variation ID: 654309). Invitae Evidence Modeling of protein sequence and biophysical properties (such as structural, functional, and spatial information, amino acid conservation, physicochemical variation, residue mobility, and thermodynamic stability) indicates that this missense variant is expected to disrupt MYOM1 protein function with a positive predictive value of 80%. In summary, the available evidence is currently insufficient to determine the role of this variant in disease. Therefore, it has been classified as a Variant of Uncertain Significance.

Ambry Genetics
Classification: Uncertain significance. Last evaluated: 2025-02-04. Review status: criteria provided, single submitter. Criteria: Ambry Variant Classification Scheme 2023. Collection method: clinical testing. Allele origin: germline.
Comment: The p.R685Q variant (also known as c.2054G>A), located in coding exon 14 of the MYOM1 gene, results from a G to A substitution at nucleotide position 2054. The arginine at codon 685 is replaced by glutamine, an amino acid with highly similar properties. This amino acid position is conserved. In addition, this alteration is predicted to be tolerated by in silico analysis. Since supporting evidence is limited at this time, the clinical significance of this alteration remains unclear.

Dr. Peter K. Rogan Lab, Western University
No classification provided (evidence only). Condition: Colorectal cancer. Review status: no classification provided. Collection method: in vitro. Allele origin: not applicable. Functional consequence: retained intron. Not counted in ClinVar's aggregate classification.

NM_003803.4(MYOM1):c.2054G>A (p.Arg685Gln)

Gene: MYOM1 (myomesin 1; minus strand). Cytogenetic location: 18p11.31.
Variant type: single nucleotide variant.
Coding change: c.2054G>A on transcript NM_003803.4 (MANE Select); coding-DNA position 2054, G replaced by A.
Protein change: p.Arg685Gln; replaces arginine 685 with glutamine.
Molecular consequence: missense variant.
Genome position (GRCh38, 1-based): chr18:3,135,702, C>T on the plus strand (G>A on the coding strand, the complement: MYOM1 is on the minus strand). VCF-style: chr18-3135702-C-T. GRCh37 (hg19) VCF-style: chr18-3135700-C-T.
Other names: c.2054G>A, p.Arg685Gln (NM_019856.2); short protein forms R685Q.
Identifiers: ClinVar variation 654309 (VCV000654309.14), dbSNP rs371246473, ClinGen allele CA8874756.